The following is an entry in ClinVar:

NM_024426.6(WT1):c.888T>A (p.Ser296Arg)

Gene: WT1 (WT1 transcription factor; minus strand). Cytogenetic location: 11p13.
Variant type: single nucleotide variant.
Coding change: c.888T>A on transcript NM_024426.6 (MANE Select); coding-DNA position 888, T replaced by A.
Protein change: p.Ser296Arg; replaces serine 296 with arginine.
Molecular consequence: missense variant. On other transcripts: non-coding transcript variant (2).
Genome position (GRCh38, 1-based): chr11:32,417,654, A>T on the plus strand (T>A on the coding strand, the complement: WT1 is on the minus strand). VCF-style: chr11-32417654-A-T. GRCh37 (hg19) VCF-style: chr11-32439200-A-T.
Other names: c.888T>A, p.Ser296Arg (NM_000378.6, NM_001407044.1, NM_001407045.1 and 4 more transcripts); c.237T>A, p.Ser79Arg (NM_001198551.2, NM_001198552.2); c.765T>A, p.Ser255Arg (NM_001407047.1, NM_001407050.1); c.126T>A, p.Ser42Arg (NM_001407051.1); c.669T>A, p.Ser223Arg (NM_001429031.1, NM_001429032.1, NM_001429033.1 and 1 more transcripts); short protein forms S296R, S79R, S255R, S291R, S223R, S42R.
Identifiers: ClinVar variation 4202227 (VCV004202227.1).

ClinVar aggregate classification (germline): Uncertain significance (1 of 4 stars; one submission).

Conditions:
Inborn genetic diseases. Identifiers: MedGen C0950123, MeSH D030342.

Submission:

Ambry Genetics
Classification: Uncertain significance for Inborn genetic diseases. Last evaluated: 2025-07-22. Review status: criteria provided, single submitter. Criteria: Ambry Variant Classification Scheme 2023. Collection method: clinical testing. Allele origin: germline.
Comment: The p.S291R variant (also known as c.873T>A) is located in coding exon 4 of the WT1 gene. The serine at codon 291 is replaced by arginine, an amino acid with dissimilar properties. This change occurs in the first base pair of coding exon 4. This amino acid position is conserved. In addition, this alteration is predicted to be deleterious by in silico analysis. Based on the available evidence, the clinical significance of this variant remains unclear.